The following is an entry in ClinVar:

ClinVar aggregate classification (germline): Uncertain significance (1 of 4 stars; one submission).

Conditions:
Hepatic veno-occlusive disease-immunodeficiency syndrome. Also called: Hepatic Veno-Occlusive Disease with Immunodeficiency. Identifiers: Orphanet 79124, MedGen C1856128, MONDO:0009338, OMIM 235550. Disease mechanism: loss of function.

Submission:

Labcorp Genetics (formerly Invitae), Labcorp
Classification: Uncertain significance for Hepatic veno-occlusive disease-immunodeficiency syndrome. Last evaluated: 2024-11-05. Review status: criteria provided, single submitter. Criteria: Invitae Variant Classification Sherloc (09022015). Collection method: clinical testing. Allele origin: germline.
Comment: This sequence change replaces leucine, which is neutral and non-polar, with proline, which is neutral and non-polar, at codon 121 of the SP110 protein (p.Leu121Pro). This variant is not present in population databases (gnomAD no frequency). This variant has not been reported in the literature in individuals affected with SP110-related conditions. ClinVar contains an entry for this variant (Variation ID: 1396516). An algorithm developed to predict the effect of missense changes on protein structure and function outputs the following: PolyPhen-2: "Probably Damaging". The proline amino acid residue is found in multiple mammalian species, which suggests that this missense change does not adversely affect protein function. In summary, the available evidence is currently insufficient to determine the role of this variant in disease. Therefore, it has been classified as a Variant of Uncertain Significance.

NM_080424.4(SP110):c.362T>C (p.Leu121Pro)

Genes: SP110 (SP110 nuclear body protein; minus strand), SP140 (SP140 nuclear body protein; plus strand). Cytogenetic location: 2q37.1.
Variant type: single nucleotide variant.
Coding change: c.362T>C on transcript NM_080424.4 (MANE Select); coding-DNA position 362, T replaced by C.
Protein change: p.Leu121Pro; replaces leucine 121 with proline.
Molecular consequence: missense variant.
Genome position (GRCh38, 1-based): chr2:230,212,982, A>G on the plus strand (T>C on the coding strand, the complement: SP110 is on the minus strand). VCF-style: chr2-230212982-A-G. GRCh37 (hg19) VCF-style: chr2-231077697-A-G.
Other names: c.362T>C, p.Leu121Pro (NM_001378447.1, NM_004509.5, NM_004510.4 and 1 more transcripts); c.380T>C, p.Leu127Pro (NM_001185015.2, NM_001378442.1, NM_001378444.1 and 2 more transcripts); short protein forms L127P, L121P.
Identifiers: ClinVar variation 1396516 (VCV001396516.6), dbSNP rs2148926939, ClinGen allele CA350917122.